The following is an entry in ClinVar:

NM_001018115.3(FANCD2):c.1954G>A (p.Val652Ile)

Genes: FANCD2 (FA complementation group D2; plus strand), LOC107303338 (3p25 FANCD2 Alu-mediated recombination region; plus strand). Cytogenetic location: 3p25.3.
Variant type: single nucleotide variant.
Coding change: c.1954G>A on transcript NM_001018115.3 (MANE Select); coding-DNA position 1954, G replaced by A.
Protein change: p.Val652Ile; replaces valine 652 with isoleucine.
Molecular consequence: missense variant.
Genome position (GRCh38, 1-based): chr3:10,064,362, G>A. VCF-style: chr3-10064362-G-A. GRCh37 (hg19) VCF-style: chr3-10106046-G-A.
Other names: c.1954G>A, p.Val652Ile (NM_001319984.2, NM_001374254.1, NM_033084.6); c.1843G>A, p.Val615Ile (NM_001374253.1); short protein forms V652I, V615I.
Identifiers: ClinVar variation 456350 (VCV000456350.7), dbSNP rs1381447946, ClinGen allele CA351732150.

ClinVar aggregate classification (germline): Uncertain significance. Review status: criteria provided, multiple submitters, no conflicts (2 of 4 stars). 2 submissions from 2 submitters: Uncertain significance (2). Last evaluated 2022-05-31.

Conditions:
Fanconi anemia (FA). Also called: Fanconi's anemia. Identifiers: Orphanet 84, MedGen C0015625, MeSH D005199, MONDO:0019391.
Fanconi anemia complementation group D2. Also called: FANCD2-Related Fanconi Anemia; FANCONI PANCYTOPENIA, TYPE 4; FANCONI ANEMIA, COMPLEMENTATION GROUP D. Identifiers: Orphanet 84, MedGen C3160738, MONDO:0009214, OMIM 227646.

Submissions (2):

Fulgent Genetics
Classification: Uncertain significance for Fanconi anemia complementation group D2. Last evaluated: 2022-05-31. Review status: criteria provided, single submitter. Criteria: ACMG Guidelines, 2015. Collection method: clinical testing. Allele origin: unknown.

Labcorp Genetics (formerly Invitae), Labcorp
Classification: Uncertain significance for Fanconi anemia. Last evaluated: 2017-03-15. Review status: criteria provided, single submitter. Criteria: Invitae Variant Classification Sherloc (09022015). Collection method: clinical testing. Allele origin: germline.
Comment: This variant has been reported in an individual affected with Fanconi anemia who also carried a homozygous FANCD2 splice variant, and showed hematopoietic mosaicism (PMID: 17436244). However, it is unclear if it was a germline or somatic variant. This variant is not present in population databases (ExAC no frequency). In summary, this variant is a rare missense change that is not predicted to affect protein function. While it is absent from the population and reported in an affected individual in the mosaic state, the available evidence is currently insufficient to determine its role in disease. Therefore, it has been classified as a Variant of Uncertain Significance. Algorithms developed to predict the effect of missense changes on protein structure and function output the following: SIFT: "Tolerated"; PolyPhen-2: "Benign"; Align-GVGD: "Class C0". The isoleucine amino acid residue is found in multiple mammalian species, suggesting that this missense change does not adversely affect protein function. These predictions have not been confirmed by published functional studies. This sequence change replaces valine with isoleucine at codon 652 of the FANCD2 protein (p.Val652Ile). The valine residue is weakly conserved and there is a small physicochemical difference between valine and isoleucine.

Literature cited by the submitters: PubMed 17436244 (cited by Labcorp Genetics (formerly Invitae), Labcorp).